The following is an entry in ClinVar:

NM_213599.3(ANO5):c.2039T>A (p.Phe680Tyr)

Gene: ANO5 (anoctamin 5; plus strand). Cytogenetic location: 11p14.3.
Variant type: single nucleotide variant.
Coding change: c.2039T>A on transcript NM_213599.3 (MANE Select); coding-DNA position 2039, T replaced by A.
Protein change: p.Phe680Tyr; replaces phenylalanine 680 with tyrosine.
Molecular consequence: missense variant.
Genome position (GRCh38, 1-based): chr11:22,272,793, T>A. VCF-style: chr11-22272793-T-A. GRCh37 (hg19) VCF-style: chr11-22294339-T-A.
Other names: c.2036T>A, p.Phe679Tyr (NM_001142649.2); short protein forms F680Y, F679Y.
Identifiers: ClinVar variation 1413738 (VCV001413738.8), dbSNP rs777640863, ClinGen allele CA5923450.

ClinVar aggregate classification (germline): Uncertain significance. Review status: criteria provided, multiple submitters, no conflicts (2 of 4 stars). 2 submissions from 2 submitters: Uncertain significance (2). Last evaluated 2025-08-02.

Conditions:
Gnathodiaphyseal dysplasia (GDD). Also called: GNATHODIAPHYSEAL SCLEROSIS; OSTEOGENESIS IMPERFECTA WITH UNUSUAL SKELETAL LESIONS. Identifiers: Orphanet 53697, MedGen C1833736, MONDO:0008151, OMIM 166260.
Autosomal recessive limb-girdle muscular dystrophy type 2L (LGMDR12). Also called: MUSCULAR DYSTROPHY, LIMB-GIRDLE, AUTOSOMAL RECESSIVE 12; Limb-Girdle Muscular Dystrophy R12 Anoctamin-5-Related (LGMD-R12); Limb-girdle muscular dystrophy, type 2L. Identifiers: Orphanet 206549, MedGen C1969785, MONDO:0012652, OMIM 611307.

gnomAD v4.1: 7 of 1,613,810 alleles (0.00043%); highest among the groups gnomAD compares: Middle Eastern, 0.017%; no homozygotes.

Submissions (2):

Dasa
Classification: Uncertain significance. Last evaluated: 2025-08-02. Review status: criteria provided, single submitter. Criteria: DASA Assertion Criteria. Collection method: clinical testing. Allele origin: germline.
Comment: NM_213599.3(ANO5):c.2039T>A (p.Phe680Tyr) is a missense variant that results in the substitution of phenylalanine with tyrosine. This variant is rare in population databases. Computational prediction algorithms are consistent with a deleterious effect. The currently available literature and clinical evidence are not sufficient to establish a definitive association between this variant and the reported condition. Therefore, this variant is classified as a variant of uncertain significance.

Labcorp Genetics (formerly Invitae), Labcorp
Classification: Uncertain significance for Autosomal recessive limb-girdle muscular dystrophy type 2L; Gnathodiaphyseal dysplasia. Last evaluated: 2024-10-31. Review status: criteria provided, single submitter. Criteria: Invitae Variant Classification Sherloc (09022015). Collection method: clinical testing. Allele origin: germline.
Comment: This sequence change replaces phenylalanine, which is neutral and non-polar, with tyrosine, which is neutral and polar, at codon 680 of the ANO5 protein (p.Phe680Tyr). This variant is present in population databases (rs777640863, gnomAD 0.003%). This variant has not been reported in the literature in individuals affected with ANO5-related conditions. ClinVar contains an entry for this variant (Variation ID: 1413738). Invitae Evidence Modeling of protein sequence and biophysical properties (such as structural, functional, and spatial information, amino acid conservation, physicochemical variation, residue mobility, and thermodynamic stability) has been performed for this missense variant. However, the output from this modeling did not meet the statistical confidence thresholds required to predict the impact of this variant on ANO5 protein function. In summary, the available evidence is currently insufficient to determine the role of this variant in disease. Therefore, it has been classified as a Variant of Uncertain Significance.